The following is an entry in ClinVar:

NM_000057.4(BLM):c.582T>A (p.Phe194Leu)

Gene: BLM (BLM RecQ like helicase; plus strand). Cytogenetic location: 15q26.1.
Variant type: single nucleotide variant.
Coding change: c.582T>A on transcript NM_000057.4 (MANE Select); coding-DNA position 582, T replaced by A.
Protein change: p.Phe194Leu; replaces phenylalanine 194 with leucine.
Molecular consequence: missense variant. On other transcripts: 5 prime UTR variant (1).
Genome position (GRCh38, 1-based): chr15:90,749,850, T>A. VCF-style: chr15-90749850-T-A. GRCh37 (hg19) VCF-style: chr15-91293080-T-A.
Other names: c.582T>A, p.Phe194Leu (NM_001287246.2, NM_001287247.2); c.-710T>A (NM_001287248.2); short protein forms F194L.
Identifiers: ClinVar variation 1007827 (VCV001007827.9), dbSNP rs1895626638, ClinGen allele CA393841103.
Genomic context (GRCh38, chr15:90,749,850, plus strand): 5'-AAGTCACTTTGTAAGAGTAAGCACTGCTCAGAAATCAAAAAAGGGTAAGAGAAACTTTTT[T>A]AAAGCACAGCTTTATACAACAAACACAGTAAAGACTGATTTGCCTCCACCCTCCTCTGAA-3'
Protein context (NP_000048.1, residues 184-204): QKSKKGKRNF[Phe194Leu]KAQLYTTNTV

ClinVar aggregate classification (germline): Uncertain significance (1 of 4 stars; one submission).

Conditions:
Bloom syndrome (BLM). Also called: Bloom-Torre-Machacek syndrome. Identifiers: Orphanet 125, MedGen C0005859, MONDO:0008876, OMIM 210900.

Allele frequency attached by ClinVar (database versions not stated): gnomAD exomes below 0.00001.
gnomAD v4.1: 1 of 1,594,102 alleles (0.000063%); highest among the groups gnomAD compares: Non-Finnish European, 0.000085%; no homozygotes.

Submission:

Labcorp Genetics (formerly Invitae), Labcorp
Classification: Uncertain significance for Bloom syndrome. Last evaluated: 2025-05-12. Review status: criteria provided, single submitter. Criteria: Invitae Variant Classification Sherloc (09022015). Collection method: clinical testing. Allele origin: germline.
Comment: This sequence change replaces phenylalanine, which is neutral and non-polar, with leucine, which is neutral and non-polar, at codon 194 of the BLM protein (p.Phe194Leu). This variant is not present in population databases (gnomAD no frequency). This variant has not been reported in the literature in individuals affected with BLM-related conditions. ClinVar contains an entry for this variant (Variation ID: 1007827). An algorithm developed to predict the effect of missense changes on protein structure and function outputs the following: PolyPhen-2: "Benign". The leucine amino acid residue is found in multiple mammalian species, which suggests that this missense change does not adversely affect protein function. In summary, the available evidence is currently insufficient to determine the role of this variant in disease. Therefore, it has been classified as a Variant of Uncertain Significance.